The following is an entry in ClinVar:

NM_000501.4(ELN):c.1957G>A (p.Gly653Arg)

Gene: ELN (elastin; plus strand). Cytogenetic location: 7q11.23.
Variant type: single nucleotide variant.
Coding change: c.1957G>A on transcript NM_000501.4 (MANE Select); coding-DNA position 1957, G replaced by A.
Protein change: p.Gly653Arg; replaces glycine 653 with arginine.
Molecular consequence: missense variant.
Genome position (GRCh38, 1-based): chr7:74,063,659, G>A. VCF-style: chr7-74063659-G-A. GRCh37 (hg19) VCF-style: chr7-73477989-G-A.
Other names: c.1957G>A (NM_000501.2); c.1870G>A, p.Gly624Arg (NM_001081752.3); c.1915G>A, p.Gly639Arg (NM_001081753.3); c.1972G>A, p.Gly658Arg (NM_001081754.3); c.1900G>A, p.Gly634Arg (NM_001081755.3); c.1957G>A, p.Gly653Arg (NM_001278912.2); c.1714G>A, p.Gly572Arg (NM_001278913.2); c.1885G>A, p.Gly629Arg (NM_001278914.2); and 5 more; short protein forms G605R, G639R, G643R, G659R, G564R, G624R, G653R, G658R.
Identifiers: ClinVar variation 2040761 (VCV002040761.6), dbSNP rs782707801, ClinGen allele CA4293318.

ClinVar aggregate classification (germline): Uncertain significance. Review status: criteria provided, multiple submitters, no conflicts (2 of 4 stars). 3 submissions from 3 submitters: Uncertain significance (3). Last evaluated 2025-10-14.

Conditions:
Inborn genetic diseases. Identifiers: MedGen C0950123, MeSH D030342.
Supravalvar aortic stenosis (SVAS). Also called: Supravalvar aortic stenosis, Eisenberg type. Identifiers: Orphanet 3193, MedGen C0003499, MONDO:0008504, OMIM 185500, HP:0004381.

Allele frequency attached by ClinVar (database versions not stated): ExAC 0.00001; gnomAD exomes 0.00001; gnomAD 0.00003; TOPMed 0.00006.
gnomAD v4.1: 17 of 1,613,608 alleles (0.0011%); highest among the groups gnomAD compares: African/African-American, 0.0053%; no homozygotes.

Submissions (3):

Labcorp Genetics (formerly Invitae), Labcorp
Classification: Uncertain significance for Supravalvar aortic stenosis. Last evaluated: 2025-10-14. Review status: criteria provided, single submitter. Criteria: Invitae Variant Classification Sherloc (09022015). Collection method: clinical testing. Allele origin: germline.
Comment: This sequence change replaces glycine, which is neutral and non-polar, with arginine, which is basic and polar, at codon 715 of the ELN protein (p.Gly715Arg). This variant is present in population databases (rs782707801, gnomAD 0.008%). This variant has not been reported in the literature in individuals affected with ELN-related conditions. ClinVar contains an entry for this variant (Variation ID: 2040761). Invitae Evidence Modeling of protein sequence and biophysical properties (such as structural, functional, and spatial information, amino acid conservation, physicochemical variation, residue mobility, and thermodynamic stability) indicates that this missense variant is not expected to disrupt ELN protein function with a negative predictive value of 80%. In summary, the available evidence is currently insufficient to determine the role of this variant in disease. Therefore, it has been classified as a Variant of Uncertain Significance.

GeneDx
Classification: Uncertain significance. Last evaluated: 2024-10-22. Review status: criteria provided, single submitter. Criteria: GeneDx Variant Classification Process June 2021. Collection method: clinical testing. Allele origin: germline. Affected: yes.
Comment: Not observed at significant frequency in large population cohorts (gnomAD); In silico analysis supports that this missense variant has a deleterious effect on protein structure/function; Has not been previously published as pathogenic or benign to our knowledge

Ambry Genetics
Classification: Uncertain significance for Inborn genetic diseases. Last evaluated: 2024-07-22. Review status: criteria provided, single submitter. Criteria: Ambry Variant Classification Scheme 2023. Collection method: clinical testing. Allele origin: germline.